The following is an entry in ClinVar:

ClinVar aggregate classification (germline): Likely benign (1 of 4 stars; one submission).

Allele frequency attached by ClinVar (database versions not stated): gnomAD exomes 0.00005; ExAC 0.00006; gnomAD 0.00006; TOPMed 0.00006.

Submission:

CeGaT Center for Human Genetics Tuebingen
Classification: Likely benign. Last evaluated: 2022-10-01. Review status: criteria provided, single submitter. Criteria: CeGaT Center For Human Genetics Tuebingen Variant Classification Criteria Version 2. Collection method: clinical testing. Allele origin: germline. Affected: yes. Observed: 1 variant allele.
Comment: TKTL2: BP4, BP7

NM_032136.5(TKTL2):c.789A>C (p.Gly263=)

Gene: TKTL2 (transketolase like 2; minus strand). Cytogenetic location: 4q32.2.
Variant type: single nucleotide variant.
Coding change: c.789A>C on transcript NM_032136.5 (MANE Select); coding-DNA position 789, A replaced by C.
Protein change: p.Gly263=; no amino-acid change (glycine 263 retained).
Molecular consequence: synonymous variant.
Genome position (GRCh38, 1-based): chr4:163,472,946, T>G on the plus strand (A>C on the coding strand, the complement: TKTL2 is on the minus strand). VCF-style: chr4-163472946-T-G. GRCh37 (hg19) VCF-style: chr4-164394098-T-G.
Identifiers: ClinVar variation 2655167 (VCV002655167.24), dbSNP rs778655466, ClinGen allele CA3127081.
Genomic context (GRCh38, chr4:163,472,946, plus strand): 5'-CTGTATCTGACTCTCAATTAATTTGACAATTGCATCTGCTCTTTCTTTTGGCACTGGCTT[T>G]CCATGCCAATTTTCTGCATCCTCAATATTTGGAATACCCCGACCTTTGAAGGTCTTGGCA-3'
Protein context (NP_115512.3, residues 253-273): PNIEDAENWH[Gly263=]KPVPKERADA